The following is an entry in ClinVar:

ClinVar aggregate classification (germline): Uncertain significance (1 of 4 stars; one submission).

Submission:

Dasa
Classification: Uncertain significance. Last evaluated: 2025-05-31. Review status: criteria provided, single submitter. Criteria: DASA Assertion Criteria. Collection method: clinical testing. Allele origin: germline.
Comment: NM_000089.4(COL1A2):c.1629A>T (p.Lys543Asn) is a missense variant that results in the substitution of lysine with asparagine. The affected residue or protein region has prior evidence supporting clinical relevance. This variant is absent from population databases. Computational prediction algorithms are consistent with a deleterious effect. The currently available literature and clinical evidence are not sufficient to establish a definitive association between this variant and the reported condition. Therefore, this variant is classified as a variant of uncertain significance.

NM_000089.4(COL1A2):c.1629A>T (p.Lys543Asn)

Gene: COL1A2 (collagen type I alpha 2 chain; plus strand). Cytogenetic location: 7q21.3.
Variant type: single nucleotide variant.
Coding change: c.1629A>T on transcript NM_000089.4 (MANE Select); coding-DNA position 1629, A replaced by T.
Protein change: p.Lys543Asn; replaces lysine 543 with asparagine.
Molecular consequence: missense variant.
Genome position (GRCh38, 1-based): chr7:94,413,911, A>T. VCF-style: chr7-94413911-A-T. GRCh37 (hg19) VCF-style: chr7-94043223-A-T.
Other names: short protein forms K543N.
Identifiers: ClinVar variation 5020943 (VCV005020943.1).
Genomic context (GRCh38, chr7:94,413,911, plus strand): 5'-TGACATACGTTGCTATTTATGCTCTCTTTCCTGTCACTTTCAGGGTGTTCAAGGTGGAAA[A>T]GGTGAACAGGGTCCCCCTGGTCCTCCAGGCTTCCAGGTAAGTCAACTCAAACATATACAA-3'
Protein context (NP_000080.2, residues 533-553): PPGPQGVQGG[Lys543Asn]GEQGPPGPPG